The following is an entry in ClinVar:

NM_001386298.1(CIC):c.1508G>A (p.Arg503His)

Gene: CIC (capicua transcriptional repressor; plus strand). Cytogenetic location: 19q13.2.
Variant type: single nucleotide variant.
Coding change: c.1508G>A on transcript NM_001386298.1 (MANE Select); coding-DNA position 1508, G replaced by A.
Protein change: p.Arg503His; replaces arginine 503 with histidine.
Molecular consequence: missense variant.
Genome position (GRCh38, 1-based): chr19:42,273,291, G>A. VCF-style: chr19-42273291-G-A. GRCh37 (hg19) VCF-style: chr19-42777443-G-A.
Other names: c.1508G>A, p.Arg503His (NM_001439188.1, NM_001304815.2, NM_001379480.1 and 6 more transcripts); short protein forms R503H.
Identifiers: ClinVar variation 4531725 (VCV004531725.1).
Genomic context (GRCh38, chr19:42,273,291, plus strand): 5'-AGGGCGATGTGGTCTGCACACCCAGCGGAATACGAAAGAAGTTCAACGGCAAGCAGTGGC[G>A]CCGGCTGTGCTCACGAGATGGCTGCATGAAGGAGTCACAGCGGCGAGGCTACTGCTCACG-3'
Protein context (NP_001373227.1, residues 493-513): IRKKFNGKQW[Arg503His]RLCSRDGCMK

ClinVar aggregate classification (germline): Uncertain significance (1 of 4 stars; one submission).

Conditions:
Intellectual developmental disorder, autosomal dominant 45. Also called: MENTAL RETARDATION, AUTOSOMAL DOMINANT 45; Intellectual disability, autosomal dominant 45. Identifiers: MedGen C4539848, MONDO:0030910, OMIM 617600.

Submission:

Victorian Clinical Genetics Services, Murdoch Childrens Research Institute
Classification: Uncertain significance for Intellectual developmental disorder, autosomal dominant 45. Last evaluated: 2025-02-04. Review status: criteria provided, single submitter. Criteria: ACMG Guidelines, 2015. Collection method: clinical testing. Allele origin: germline. Affected: yes.
Comment: This variant is classified as VUS-3A. Evidence in support of pathogenic classification: Variant is absent from gnomAD (v2, v3 and v4); Missense variant in a region that is highly intolerant to missense variation (high constraint region in DECIPHER); Additional information: Variant is predicted to result in a missense amino acid change from arginine to histidine; This variant is heterozygous; This gene is associated with autosomal dominant disease; This variant has no previous evidence of pathogenicity; No published segregation evidence has been identified for this variant; No published functional evidence has been identified for this variant; No comparable missense variants have previous evidence for pathogenicity; Missense variant with inconclusive in silico prediction and uninformative conservation; Loss of function is a known mechanism of disease in this gene and is associated with autosomal dominant intellectual developmental disorder 45 (MIM#617600).